The following is an entry in ClinVar:

ClinVar aggregate classification (germline): Uncertain significance (1 of 4 stars; one submission).

Conditions:
MRAP2-related disorder. Also called: MRAP2-related condition.

gnomAD v4.1: 4 of 1,614,052 alleles (0.00025%); highest among the groups gnomAD compares: Admixed American, 0.0067%; no homozygotes.

Submission:

PreventionGenetics, part of Exact Sciences
Classification: Uncertain significance for MRAP2-related condition. Last evaluated: 2026-01-13. Review status: criteria provided, single submitter. Criteria: ACMG Guidelines, 2015. Collection method: clinical testing. Allele origin: germline.
Comment: The MRAP2 c.128A>T variant is predicted to result in the amino acid substitution p.Tyr43Phe. This variant is located at the first base of an exon, and is predicted to impact splicing, based on available splicing prediction programs (SpliceAI, Jaganathan et al. 2019. PubMed ID: 30661751). However, the use of computer prediction programs is not equivalent to functional evidence. To our knowledge, this variant has not been reported in the literature. This variant is reported in 0.0058% of alleles in individuals of Latino descent in gnomAD. At this time, the clinical significance of this variant is uncertain due to the absence of conclusive functional and genetic evidence.

NM_138409.4(MRAP2):c.128A>T (p.Tyr43Phe)

Gene: MRAP2 (melanocortin 2 receptor accessory protein 2; plus strand). Cytogenetic location: 6q14.2.
Variant type: single nucleotide variant.
Coding change: c.128A>T on transcript NM_138409.4 (MANE Select); coding-DNA position 128, A replaced by T.
Protein change: p.Tyr43Phe; replaces tyrosine 43 with phenylalanine.
Molecular consequence: missense variant. On other transcripts: 5 prime UTR variant (1), intron variant (1).
Genome position (GRCh38, 1-based): chr6:84,062,893, A>T. VCF-style: chr6-84062893-A-T. GRCh37 (hg19) VCF-style: chr6-84772612-A-T.
Other names: c.128A>T, p.Tyr43Phe (NM_001346542.2, NM_001346544.2); c.-132A>T (NM_001346543.2); c.-32+7448A>T (NM_001346541.2); short protein forms Y43F.
Identifiers: ClinVar variation 3352186 (VCV003352186.2).